The following is an entry in ClinVar:

ClinVar aggregate classification (germline): Likely benign (1 of 4 stars; one submission).

Allele frequency attached by ClinVar (database versions not stated): gnomAD 0.00005; ExAC 0.07143.
gnomAD v4.1: 66 of 1,057,550 alleles (0.0062%); highest among the groups gnomAD compares: Middle Eastern, 0.04%; no homozygotes.

Submission:

CeGaT Center for Human Genetics Tuebingen
Classification: Likely benign. Last evaluated: 2022-05-01. Review status: criteria provided, single submitter. Criteria: CeGaT Center For Human Genetics Tuebingen Variant Classification Criteria Version 2. Collection method: clinical testing. Allele origin: germline. Affected: yes. Observed: 2 variant alleles.
Comment: DPP6: BS1

NM_130797.4(DPP6):c.235G>A (p.Glu79Lys)

Gene: DPP6 (dipeptidyl peptidase like 6; plus strand). Cytogenetic location: 7q36.2.
Variant type: single nucleotide variant.
Coding change: c.235G>A on transcript NM_130797.4 (MANE Select); coding-DNA position 235, G replaced by A.
Protein change: p.Glu79Lys; replaces glutamic acid 79 with lysine.
Molecular consequence: missense variant. On other transcripts: intron variant (6).
Genome position (GRCh38, 1-based): chr7:154,053,055, G>A. VCF-style: chr7-154053055-G-A. GRCh37 (hg19) VCF-style: chr7-153750140-G-A.
Other names: c.235G>A, p.Glu79Lys (NM_001290253.2); c.60+304047G>A (NM_001364500.2, NM_001364499.2, NM_001364497.2 and 1 more transcripts); c.51+165321G>A (NM_001364501.2, NM_001039350.3); short protein forms E79K.
Identifiers: ClinVar variation 1695218 (VCV001695218.31), dbSNP rs760726966, ClinGen allele CA4582968.